The following is an entry in ClinVar:

NM_002633.3(PGM1):c.247-5691A>G

Gene: PGM1 (phosphoglucomutase 1; plus strand). Cytogenetic location: 1p31.3.
Variant type: single nucleotide variant.
Coding change: c.247-5691A>G on transcript NM_002633.3 (MANE Select); 5691 bases into the intron before coding-DNA position 247, A replaced by G.
Molecular consequence: intron variant. On other transcripts: missense variant (1).
Genome position (GRCh38, 1-based): chr1:63,623,734, A>G. VCF-style: chr1-63623734-A-G. GRCh37 (hg19) VCF-style: chr1-64089405-A-G.
Other names: c.274A>G, p.Ile92Val (NM_001172818.1); c.-345-5691A>G (NM_001172819.2); short protein forms I92V.
Identifiers: ClinVar variation 4880293 (VCV004880293.2).

ClinVar aggregate classification (germline): Conflicting classifications of pathogenicity. Review status: criteria provided, conflicting classifications (1 of 4 stars). 2 submissions from 2 submitters: Uncertain significance (1); Likely benign (1). Last evaluated 2026-09-10.

Conditions:
PGM1-related disorder. Also called: PGM1-related condition; PGM1-related disorders.
Acute rhabdomyolysis. Identifiers: MedGen C3807306, HP:0008942.

gnomAD v4.1: 266 of 1,611,998 alleles (0.017%); highest among the groups gnomAD compares: South Asian, 0.27%; 3 homozygotes.

Submissions (2):

PreventionGenetics, part of Exact Sciences
Classification: Likely benign for PGM1-related condition. Last evaluated: 2026-09-10. Review status: criteria provided, single submitter. Criteria: ACMG Guidelines, 2015. Collection method: clinical testing. Allele origin: germline.
Comment: This variant is classified as likely benign based on ACMG/AMP sequence variant interpretation guidelines (Richards et al. 2015 PMID: 25741868, with internal and published modifications).

NHS Central & South Genomic Laboratory Hub
Classification: Uncertain significance for Acute Rhabdomyolysis. Last evaluated: 2026-08-06. Review status: criteria provided, single submitter. Criteria: ACMG Guidelines, 2015. Collection method: clinical testing. Allele origin: germline. Affected: yes.